The following is an entry in ClinVar:

ClinVar aggregate classification (germline): Uncertain significance (1 of 4 stars; one submission).

Conditions:
Retinitis pigmentosa 71 (RP71). Identifiers: Orphanet 791, MedGen C4225342, MONDO:0014618, OMIM 616394.
Short-rib thoracic dysplasia 10 with or without polydactyly (SRTD10). Identifiers: Orphanet 474, MedGen C3810175, MONDO:0014284, OMIM 615630.

Allele frequency attached by ClinVar (database versions not stated): gnomAD exomes below 0.00001.

Submission:

Labcorp Genetics (formerly Invitae), Labcorp
Classification: Uncertain significance for Retinitis pigmentosa 71; Short-rib thoracic dysplasia 10 with or without polydactyly. Last evaluated: 2022-06-18. Review status: criteria provided, single submitter. Criteria: Invitae Variant Classification Sherloc (09022015). Collection method: clinical testing. Allele origin: germline.
Comment: This sequence change replaces proline, which is neutral and non-polar, with leucine, which is neutral and non-polar, at codon 1142 of the IFT172 protein (p.Pro1142Leu). This variant is not present in population databases (gnomAD no frequency). This variant has not been reported in the literature in individuals affected with IFT172-related conditions. Algorithms developed to predict the effect of missense changes on protein structure and function (SIFT, PolyPhen-2, Align-GVGD) all suggest that this variant is likely to be tolerated. In summary, the available evidence is currently insufficient to determine the role of this variant in disease. Therefore, it has been classified as a Variant of Uncertain Significance.

NM_015662.3(IFT172):c.3425C>T (p.Pro1142Leu)

Gene: IFT172 (intraflagellar transport 172; minus strand). Cytogenetic location: 2p23.3.
Variant type: single nucleotide variant.
Coding change: c.3425C>T on transcript NM_015662.3 (MANE Select); coding-DNA position 3425, C replaced by T.
Protein change: p.Pro1142Leu; replaces proline 1142 with leucine.
Molecular consequence: missense variant.
Genome position (GRCh38, 1-based): chr2:27,454,607, G>A on the plus strand (C>T on the coding strand, the complement: IFT172 is on the minus strand). VCF-style: chr2-27454607-G-A. GRCh37 (hg19) VCF-style: chr2-27677474-G-A.
Other names: c.3359C>T, p.Pro1120Leu (NM_001410739.1); short protein forms P1120L, P1142L.
Identifiers: ClinVar variation 2004819 (VCV002004819.4), dbSNP rs2465839894, ClinGen allele CA346379023.
Genomic context (GRCh38, chr2:27,454,607, plus strand): 5'-GGTCCAAATCACACCCATACCTCATCCTCCAGGAACATAGCATATTTGAGATGAACCTCG[G>A]GGGTTTTGTGCTTGAGGGCCAGCCGAGAGAGTTCAAACGCAAATTCAAAGGAGCTGAAAC-3'
Protein context (NP_056477.1, residues 1132-1152): LSRLALKHKT[Pro1142Leu]EVHLKYAMFL